The following is an entry in ClinVar:

ClinVar aggregate classification (germline): Likely benign. Review status: criteria provided, multiple submitters, no conflicts (2 of 4 stars). 2 submissions from 2 submitters: Likely benign (2). Last evaluated 2025-07-01.

Allele frequency attached by ClinVar (database versions not stated): gnomAD exomes 0.00005; ExAC 0.00007; ESP Exome Variant Server 0.00016; 1000 Genomes Project 0.00020; 1000 Genomes Project 30x 0.00031; gnomAD 0.00037 and 0.00038; TOPMed 0.00042.
gnomAD v4.1: 100 of 1,613,948 alleles (0.0062%); highest among the groups gnomAD compares: African/African-American, 0.12%; no homozygotes.

Submissions (2):

CeGaT Center for Human Genetics Tuebingen
Classification: Likely benign. Last evaluated: 2025-07-01. Review status: criteria provided, single submitter. Criteria: CeGaT Center For Human Genetics Tuebingen Variant Classification Criteria Version 2. Collection method: clinical testing. Allele origin: germline. Affected: yes. Observed: 1 variant allele.
Comment: TNIK: BP4, BP7

Labcorp Genetics (formerly Invitae), Labcorp
Classification: Likely benign. Last evaluated: 2019-12-31. Review status: criteria provided, single submitter. Criteria: Invitae Variant Classification Sherloc (09022015). Collection method: clinical testing. Allele origin: germline.

NM_015028.4(TNIK):c.2772T>A (p.Ala924=)

Gene: TNIK (TRAF2 and NCK interacting kinase; minus strand). Cytogenetic location: 3q26.2.
Variant type: single nucleotide variant.
Coding change: c.2772T>A on transcript NM_015028.4 (MANE Select); coding-DNA position 2772, T replaced by A.
Protein change: p.Ala924=; no amino-acid change (alanine 924 retained).
Molecular consequence: synonymous variant.
Genome position (GRCh38, 1-based): chr3:171,087,456, A>T on the plus strand (T>A on the coding strand, the complement: TNIK is on the minus strand). VCF-style: chr3-171087456-A-T. GRCh37 (hg19) VCF-style: chr3-170805245-A-T.
Other names: c.2748T>A, p.Ala916= (NM_001161560.3); c.2685T>A, p.Ala895= (NM_001161561.3); c.2661T>A, p.Ala887= (NM_001161562.3); c.2607T>A, p.Ala869= (NM_001161563.3); c.2583T>A, p.Ala861= (NM_001161564.3); c.2520T>A, p.Ala840= (NM_001161565.3); c.2496T>A, p.Ala832= (NM_001161566.3).
Identifiers: ClinVar variation 721291 (VCV000721291.12), dbSNP rs373326278, ClinGen allele CA2703095.